The following is an entry in ClinVar:

NM_016188.5(ACTL6B):c.820C>T (p.Gln274Ter)

Gene: ACTL6B (actin like 6B; minus strand). Cytogenetic location: 7q22.1.
Variant type: single nucleotide variant.
Coding change: c.820C>T on transcript NM_016188.5 (MANE Select); coding-DNA position 820, C replaced by T.
Protein change: p.Gln274Ter; replaces glutamine 274 with a stop codon.
Molecular consequence: nonsense. On other transcripts: non-coding transcript variant (1).
Genome position (GRCh38, 1-based): chr7:100,647,224, G>A on the plus strand (C>T on the coding strand, the complement: ACTL6B is on the minus strand). VCF-style: chr7-100647224-G-A. GRCh37 (hg19) VCF-style: chr7-100244847-G-A.
Other names: short protein forms Q274*.
Identifiers: ClinVar variation 635100 (VCV000635100.4), dbSNP rs1562848425, ClinGen allele CA368543448.

ClinVar aggregate classification (germline): Likely pathogenic. Review status: criteria provided, single submitter (1 of 4 stars). 2 submissions from 2 submitters: Likely pathogenic (1). 1 of the submissions does not count toward it. Last evaluated 2019-07-28.

Conditions:
Developmental and epileptic encephalopathy, 76. Also called: EPILEPTIC ENCEPHALOPATHY, EARLY INFANTILE, 76; DEVELOPMENTAL DELAY, EPILEPTIC ENCEPHALOPATHY, CEREBRAL ATROPHY, AND ABNORMAL MYELINATION. Identifiers: MedGen C5193113, MONDO:0032768, OMIM 618468.

Submissions (2):

SIB Swiss Institute of Bioinformatics
Classification: Likely pathogenic for Developmental and epileptic encephalopathy, 76. Last evaluated: 2019-07-28. Review status: criteria provided, single submitter. Criteria: ACMG Guidelines, 2015. Collection method: curation. Allele origin: unknown.
Comment: This variant is interpreted as a Likely pathogenic for Epileptic encephalopathy, early infantile, 76, autosomal recessive. The following ACMG Tag(s) were applied: PM2, PP1, PVS1-Strong, PM3-Supporting.

OMIM
Classification: Pathogenic for EPILEPTIC ENCEPHALOPATHY, EARLY INFANTILE, 76. Last evaluated: 2020-11-25. Review status: no assertion criteria provided. Collection method: literature only. Allele origin: germline. Not counted in ClinVar's aggregate classification.

Literature cited by the submitters: PubMed 30656450 (cited by SIB Swiss Institute of Bioinformatics and OMIM).